The following is an entry in ClinVar:

ClinVar aggregate classification (germline): Conflicting classifications of pathogenicity. Review status: criteria provided, conflicting classifications (1 of 4 stars). 2 submissions from 2 submitters: Uncertain significance (1); Likely benign (1). Last evaluated 2025-09-14.

Conditions:
Hereditary spastic paraplegia 48. Also called: SPASTIC PARAPLEGIA 48, AUTOSOMAL RECESSIVE; Spastic paraplegia 48. Identifiers: Orphanet 306511, MedGen C3150901, MONDO:0013342, OMIM 613647.
Inborn genetic diseases. Identifiers: MedGen C0950123, MeSH D030342.

Allele frequency attached by ClinVar (database versions not stated): ExAC 0.00001; gnomAD 0.00003; TOPMed 0.00004; 1000 Genomes Project 30x 0.00016.
gnomAD v4.1: 83 of 1,595,386 alleles (0.0052%); highest among the groups gnomAD compares: Non-Finnish European, 0.0066%; no homozygotes.

Submissions (2):

Labcorp Genetics (formerly Invitae), Labcorp
Classification: Likely benign for Hereditary spastic paraplegia 48. Last evaluated: 2025-09-14. Review status: criteria provided, single submitter. Criteria: Invitae Variant Classification Sherloc (09022015). Collection method: clinical testing. Allele origin: germline.

Ambry Genetics
Classification: Uncertain significance for Inborn genetic diseases. Last evaluated: 2021-12-21. Review status: criteria provided, single submitter. Criteria: Ambry Variant Classification Scheme 2023. Collection method: clinical testing. Allele origin: germline.
Comment: The c.511+6C>T intronic alteration consists of a C to T substitution nucleotides after coding exon 4 in the AP5Z1 gene. Based on insufficient or conflicting evidence, the clinical significance of this alteration remains unclear.

NM_014855.3(AP5Z1):c.511+6C>T

Gene: AP5Z1 (adaptor related protein complex 5 subunit zeta 1; plus strand). Cytogenetic location: 7p22.1.
Variant type: single nucleotide variant.
Coding change: c.511+6C>T on transcript NM_014855.3 (MANE Select); 6 bases into the intron after coding-DNA position 511, C replaced by T.
Molecular consequence: intron variant.
Genome position (GRCh38, 1-based): chr7:4,783,466, C>T. VCF-style: chr7-4783466-C-T. GRCh37 (hg19) VCF-style: chr7-4823097-C-T.
Other names: c.43+6C>T (NM_001364858.1).
Identifiers: ClinVar variation 698161 (VCV000698161.10), dbSNP rs770095188, ClinGen allele CA4137234.